The following is an entry in ClinVar:

NM_006389.5(HYOU1):c.955G>A (p.Val319Ile)

Gene: HYOU1 (hypoxia up-regulated 1; minus strand). Cytogenetic location: 11q23.3.
Variant type: single nucleotide variant.
Coding change: c.955G>A on transcript NM_006389.5 (MANE Select); coding-DNA position 955, G replaced by A.
Protein change: p.Val319Ile; replaces valine 319 with isoleucine.
Molecular consequence: missense variant.
Genome position (GRCh38, 1-based): chr11:119,052,669, C>T on the plus strand (G>A on the coding strand, the complement: HYOU1 is on the minus strand). VCF-style: chr11-119052669-C-T. GRCh37 (hg19) VCF-style: chr11-118923381-C-T.
Other names: c.955G>A, p.Val319Ile (NM_001130991.3); short protein forms V319I.
Identifiers: ClinVar variation 1519713 (VCV001519713.8), dbSNP rs781988945, ClinGen allele CA229623563.
Genomic context (GRCh38, chr11:119,052,669, plus strand): 5'-ATAGCCTCAACCAGCCACTTGTGGGCACCTGTGCCATGTGGTCAGCGTTGGCACTGAGGA[C>T]GGTTTTGAGCCGATTAGCCTCACGCAGCAGCTTGGCCATGGCACGCGGGTTCTCCCGCAC-3'
Protein context (NP_006380.1, residues 309-329): LLREANRLKT[Val319Ile]LSANADHMAQ

ClinVar aggregate classification (germline): Uncertain significance (1 of 4 stars; one submission).

Allele frequency attached by ClinVar (database versions not stated): gnomAD 0.00001 and 0.00002; gnomAD exomes 0.00002; TOPMed 0.00003.
gnomAD v4.1: 39 of 1,613,844 alleles (0.0024%); highest among the groups gnomAD compares: East Asian, 0.013%; no homozygotes.

Submission:

Labcorp Genetics (formerly Invitae), Labcorp
Classification: Uncertain significance. Last evaluated: 2025-11-03. Review status: criteria provided, single submitter. Criteria: Invitae Variant Classification Sherloc (09022015). Collection method: clinical testing. Allele origin: germline.
Comment: This sequence change replaces valine, which is neutral and non-polar, with isoleucine, which is neutral and non-polar, at codon 319 of the HYOU1 protein (p.Val319Ile). This variant is present in population databases (rs781988945, gnomAD 0.02%). This variant has not been reported in the literature in individuals affected with HYOU1-related conditions. ClinVar contains an entry for this variant (Variation ID: 1519713). An algorithm developed to predict the effect of missense changes on protein structure and function outputs the following: PolyPhen-2: "Benign". The isoleucine amino acid residue is found in multiple mammalian species, which suggests that this missense change does not adversely affect protein function. In summary, the available evidence is currently insufficient to determine the role of this variant in disease. Therefore, it has been classified as a Variant of Uncertain Significance.